The following is an entry in ClinVar:

ClinVar aggregate classification (germline): Uncertain significance. Review status: criteria provided, multiple submitters, no conflicts (2 of 4 stars). 2 submissions from 2 submitters: Uncertain significance (2). Last evaluated 2025-06-16.

Conditions:
Familial focal epilepsy with variable foci (FPEVF). Identifiers: Orphanet 98820, MedGen C1858477, MONDO:0020310.

Allele frequency attached by ClinVar (database versions not stated): gnomAD 0.00001; TOPMed 0.00001.
gnomAD v4.1: 15 of 1,613,394 alleles (0.00093%); highest among the groups gnomAD compares: African/African-American, 0.0027%; no homozygotes.

Submissions (2):

GeneDx
Classification: Uncertain significance. Last evaluated: 2025-06-16. Review status: criteria provided, single submitter. Criteria: GeneDx Variant Classification Process June 2021. Collection method: clinical testing. Allele origin: germline. Affected: yes.
Comment: In silico analysis supports that this missense variant has a deleterious effect on protein structure/function; Has not been previously published as pathogenic or benign to our knowledge; In silico analysis suggests this variant may impact gene splicing. In the absence of RNA/functional studies, the actual effect of this sequence change is unknown.

Labcorp Genetics (formerly Invitae), Labcorp
Classification: Uncertain significance for Familial focal epilepsy with variable foci. Last evaluated: 2024-05-01. Review status: criteria provided, single submitter. Criteria: Invitae Variant Classification Sherloc (09022015). Collection method: clinical testing. Allele origin: germline.
Comment: This sequence change replaces aspartic acid, which is acidic and polar, with glycine, which is neutral and non-polar, at codon 185 of the DEPDC5 protein (p.Asp185Gly). This variant is not present in population databases (gnomAD no frequency). This variant has not been reported in the literature in individuals affected with DEPDC5-related conditions. ClinVar contains an entry for this variant (Variation ID: 1042808). Experimental studies and prediction algorithms are not available or were not evaluated, and the functional significance of this variant is currently unknown. Algorithms developed to predict the effect of sequence changes on RNA splicing suggest that this variant may create or strengthen a splice site. In summary, the available evidence is currently insufficient to determine the role of this variant in disease. Therefore, it has been classified as a Variant of Uncertain Significance.

NM_001242896.3(DEPDC5):c.554A>G (p.Asp185Gly)

Gene: DEPDC5 (DEP domain containing 5, GATOR1 subcomplex subunit; plus strand). Cytogenetic location: 22q12.2.
Variant type: single nucleotide variant.
Coding change: c.554A>G on transcript NM_001242896.3 (MANE Select); coding-DNA position 554, A replaced by G.
Protein change: p.Asp185Gly; replaces aspartic acid 185 with glycine.
Molecular consequence: missense variant. On other transcripts: non-coding transcript variant (5).
Genome position (GRCh38, 1-based): chr22:31,783,977, A>G. VCF-style: chr22-31783977-A-G. GRCh37 (hg19) VCF-style: chr22-32179963-A-G.
Other names: c.554A>G, p.Asp185Gly (NM_001007188.4, NM_001136029.4, NM_001242897.2 and 7 more transcripts); c.470A>G, p.Asp157Gly (NM_001369901.1, NM_001369902.1); c.554A>G (NM_001242896.1); short protein forms D185G, D157G.
Identifiers: ClinVar variation 1042808 (VCV001042808.9), dbSNP rs2084720246, ClinGen allele CA411285916.